The following is an entry in ClinVar:

NM_001378454.1(ALMS1):c.2549C>T (p.Thr850Ile)

Gene: ALMS1 (ALMS1 centrosome and basal body associated protein; plus strand). Cytogenetic location: 2p13.1.
Variant type: single nucleotide variant.
Coding change: c.2549C>T on transcript NM_001378454.1 (MANE Select); coding-DNA position 2549, C replaced by T.
Protein change: p.Thr850Ile; replaces threonine 850 with isoleucine.
Molecular consequence: missense variant.
Genome position (GRCh38, 1-based): chr2:73,449,076, C>T. VCF-style: chr2-73449076-C-T. GRCh37 (hg19) VCF-style: chr2-73676203-C-T.
Other names: c.2552C>T, p.Thr851Ile (NM_015120.4); short protein forms T851I, T850I.
Identifiers: ClinVar variation 4985545 (VCV004985545.1).

ClinVar aggregate classification (germline): Uncertain significance (1 of 4 stars; one submission).

Conditions:
ALMS1-related disorder. Also called: ALMS1-related condition.

gnomAD v4.1: 1 of 1,614,078 alleles (0.000062%); highest among the groups gnomAD compares: Non-Finnish European, 0.000085%; no homozygotes.

Submission:

PreventionGenetics, part of Exact Sciences
Classification: Uncertain significance for ALMS1-related condition. Last evaluated: 2026-03-17. Review status: criteria provided, single submitter. Criteria: ACMG Guidelines, 2015. Collection method: clinical testing. Allele origin: germline.
Comment: The ALMS1 c.2552C>T variant is predicted to result in the amino acid substitution p.Ala851Val. To our knowledge, this variant has not been reported in the literature. This variant is reported in 0.0065% of alleles in individuals of African descent in gnomAD. At this time, the clinical significance of this variant is uncertain due to the absence of conclusive functional and genetic evidence.